The following is an entry in ClinVar:

ClinVar aggregate classification (germline): Conflicting classifications of pathogenicity. Review status: criteria provided, conflicting classifications (1 of 4 stars). 5 submissions from 5 submitters: Uncertain significance (3); Likely benign (1). 1 of the submissions does not count toward it. Last evaluated 2024-10-28.

Conditions:
Breast-ovarian cancer, familial, susceptibility to, 1 (BROVCA1). Also called: BRCA1 Hereditary Breast and Ovarian Cancer; OVARIAN CANCER, SUSCEPTIBILITY TO. Identifiers: Orphanet 145, MedGen C2676676, MONDO:0011450, OMIM 604370. Disease mechanism: loss of function.
Hereditary cancer-predisposing syndrome. Also called: Hereditary Cancer Syndrome; Neoplastic Syndromes, Hereditary; Hereditary neoplastic syndrome; Tumor predisposition. Identifiers: Orphanet 140162, MedGen C0027672, MeSH D009386, MONDO:0015356.
Hereditary breast ovarian cancer syndrome. Also called: Hereditary breast and/or ovarian cancer syndrome; Hereditary breast and ovarian cancer syndrome; Hereditary breast and ovarian cancer; Hereditary breast and ovarian cancer syndrome (HBOC); Breast and ovarian cancer; BRCA1- and BRCA2-Associated Hereditary Breast and Ovarian Cancer. Identifiers: Orphanet 145, MedGen C0677776, MeSH D061325, MONDO:0003582. Disease mechanism: loss of function.

Submissions (5):

Ambry Genetics
Classification: Uncertain significance for Hereditary cancer-predisposing syndrome. Last evaluated: 2024-10-28. Review status: criteria provided, single submitter. Criteria: Ambry Variant Classification Scheme 2023. Collection method: clinical testing. Allele origin: germline.
Comment: The p.E1258D variant (also known as c.3774G>T), located in coding exon 9 of the BRCA1 gene, results from a G to T substitution at nucleotide position 3774. The glutamic acid at codon 1258 is replaced by aspartic acid, an amino acid with highly similar properties. This amino acid position is not well conserved in available vertebrate species. In addition, the in silico prediction for this alteration is inconclusive. Since supporting evidence is limited at this time, the clinical significance of this alteration remains unclear.

Color Diagnostics, LLC DBA Color Health
Classification: Uncertain significance for Hereditary cancer-predisposing syndrome. Last evaluated: 2023-04-04. Review status: criteria provided, single submitter. Criteria: ACMG Guidelines, 2015. Collection method: clinical testing. Allele origin: germline.
Comment: This missense variant replaces glutamic acid with aspartic acid at codon 1258 of the BRCA1 protein. Computational prediction is inconclusive regarding the impact of this variant on protein structure and function (internally defined REVEL score threshold 0.5 < inconclusive < 0.7, PMID: 27666373). To our knowledge, functional studies have not been reported for this variant. This variant has not been reported in individuals affected with BRCA1-related disorders in the literature. This variant has not been identified in the general population by the Genome Aggregation Database (gnomAD). The available evidence is insufficient to determine the role of this variant in disease conclusively. Therefore, this variant is classified as a Variant of Uncertain Significance.

University of Washington Department of Laboratory Medicine, University of Washington
Classification: Likely benign for Hereditary cancer-predisposing syndrome. Last evaluated: 2023-03-23. Review status: criteria provided, single submitter. Criteria: Dines et al. (Genet Med. 2020). Collection method: curation. Allele origin: germline.
Comment: Missense variant in a coldspot region where missense variants are very unlikely to be pathogenic (PMID:31911673).

BRCA1 coldspot (exon 11 using historical exon numbering). Reclassification based on statistical prior probability

Labcorp Genetics (formerly Invitae), Labcorp
Classification: Uncertain significance for Hereditary breast ovarian cancer syndrome. Last evaluated: 2023-03-19. Review status: criteria provided, single submitter. Criteria: Invitae Variant Classification Sherloc (09022015). Collection method: clinical testing. Allele origin: germline.
Comment: This sequence change replaces glutamic acid, which is acidic and polar, with aspartic acid, which is acidic and polar, at codon 1258 of the BRCA1 protein (p.Glu1258Asp). This variant is not present in population databases (gnomAD no frequency). This variant has not been reported in the literature in individuals affected with BRCA1-related conditions. ClinVar contains an entry for this variant (Variation ID: 96916). Advanced modeling of protein sequence and biophysical properties (such as structural, functional, and spatial information, amino acid conservation, physicochemical variation, residue mobility, and thermodynamic stability) performed at Invitae indicates that this missense variant is not expected to disrupt BRCA1 protein function. In summary, the available evidence is currently insufficient to determine the role of this variant in disease. Therefore, it has been classified as a Variant of Uncertain Significance.

Sharing Clinical Reports Project (SCRP)
Classification: Uncertain significance for Breast-ovarian cancer, familial 1. Last evaluated: 2009-09-26. Review status: no assertion criteria provided. Collection method: clinical testing. Allele origin: germline. Not counted in ClinVar's aggregate classification.

NM_007294.4(BRCA1):c.3774G>T (p.Glu1258Asp)

Genes: BRCA1 (BRCA1 DNA repair associated; minus strand), LOC126862571 (BRD4-independent group 4 enhancer GRCh37_chr17:41243136-41244335; plus strand). Cytogenetic location: 17q21.31.
Variant type: single nucleotide variant.
Coding change: c.3774G>T on transcript NM_007294.4 (MANE Select); coding-DNA position 3774, G replaced by T.
Protein change: p.Glu1258Asp; replaces glutamic acid 1258 with aspartic acid.
Molecular consequence: missense variant. On other transcripts: intron variant (135).
Genome position (GRCh38, 1-based): chr17:43,091,757, C>A on the plus strand (G>T on the coding strand, the complement: BRCA1 is on the minus strand). VCF-style: chr17-43091757-C-A. GRCh37 (hg19) VCF-style: chr17-41243774-C-A.
Other names: 3893G>T; c.578-725G>T (NM_001408483.1, NM_001408481.1, NM_001408480.1 and 9 more transcripts); c.665-725G>T (NM_001408442.1, NM_001408426.1, NM_001408436.1 and 12 more transcripts); c.788-725G>T (NM_001407982.1, NM_001407970.1, NM_001407980.1 and 17 more transcripts); c.3561G>T, p.Glu1187Asp (NM_001407571.1, NM_001407853.1, NM_001407894.1 and 9 more transcripts); c.3774G>T, p.Glu1258Asp (NM_001407581.1, NM_001407582.1, NM_001407583.1 and 30 more transcripts); c.3771G>T, p.Glu1257Asp (NM_001407587.1, NM_001407590.1, NM_001407591.1 and 22 more transcripts); c.3765G>T, p.Glu1255Asp (NM_001407646.1, NM_001407647.1); and 42 more; short protein forms E1258D, E1211D, E1147D, E1188D, E1190D, E1131D, E1146D, E1210D.
Identifiers: ClinVar variation 96916 (VCV000096916.13), dbSNP rs431825399, ClinGen allele CA002431.